The following is an entry in ClinVar:

NM_000179.3(MSH6):c.1250A>G (p.Lys417Arg)

Gene: MSH6 (mutS homolog 6; plus strand). Cytogenetic location: 2p16.3.
Variant type: single nucleotide variant.
Coding change: c.1250A>G on transcript NM_000179.3 (MANE Select); coding-DNA position 1250, A replaced by G.
Protein change: p.Lys417Arg; replaces lysine 417 with arginine.
Molecular consequence: missense variant. On other transcripts: non-coding transcript variant (4), intron variant (1).
Genome position (GRCh38, 1-based): chr2:47,799,233, A>G. VCF-style: chr2-47799233-A-G. GRCh37 (hg19) VCF-style: chr2-48026372-A-G.
Other names: c.860A>G, p.Lys287Arg (NM_001281492.2); c.344A>G, p.Lys115Arg (NM_001281493.2, NM_001281494.2, NM_001406823.1 and 6 more transcripts); c.1346A>G, p.Lys449Arg (NM_001406795.1, NM_001406802.1); c.1250A>G, p.Lys417Arg (NM_001406796.1, NM_001406798.1, NM_001406800.1 and 4 more transcripts); c.953A>G, p.Lys318Arg (NM_001406797.1, NM_001406801.1, NM_001406805.1 and 10 more transcripts); c.725A>G, p.Lys242Arg (NM_001406799.1, NM_001406806.1, NM_001406807.1); c.1172A>G, p.Lys391Arg (NM_001406804.1); c.1082A>G, p.Lys361Arg (NM_001406826.1); and 2 more; short protein forms K242R, K419R, K449R, K287R, K318R, K361R, K417R, K115R.
Identifiers: ClinVar variation 4111212 (VCV004111212.1).

ClinVar aggregate classification (germline): Uncertain significance (1 of 4 stars; one submission).

Conditions:
Hereditary cancer-predisposing syndrome. Also called: Tumor predisposition; Neoplastic Syndromes, Hereditary; Hereditary neoplastic syndrome; Hereditary Cancer Syndrome. Identifiers: Orphanet 140162, MedGen C0027672, MeSH D009386, MONDO:0015356.

Submission:

Ambry Genetics
Classification: Uncertain significance for Hereditary cancer-predisposing syndrome. Last evaluated: 2025-07-25. Review status: criteria provided, single submitter. Criteria: Ambry Variant Classification Scheme 2023. Collection method: clinical testing. Allele origin: germline.
Comment: The p.K417R variant (also known as c.1250A>G), located in coding exon 4 of the MSH6 gene, results from an A to G substitution at nucleotide position 1250. The lysine at codon 417 is replaced by arginine, an amino acid with highly similar properties. This amino acid position is conserved. In addition, this alteration is predicted to be deleterious by in silico analysis. Based on the available evidence, the clinical significance of this variant remains unclear.